The following is an entry in ClinVar:

ClinVar aggregate classification (germline): Likely pathogenic (1 of 4 stars; one submission).

Submission:

GeneDx
Classification: Likely pathogenic. Last evaluated: 2016-12-01. Review status: criteria provided, single submitter. Criteria: GeneDx Variant Classification (06012015). Collection method: clinical testing. Allele origin: germline. Affected: yes.
Comment: The c.955_956dupAG variant in the PCYT1A gene has not been reported previously as a pathogenic variant, nor as a benign variant, to our knowledge. The c.955_956dupAG variant causes a frameshift starting with codon Serine 319, which is changed to an Arginine residue. The new reading frame does not encounter a stop codon in the rest of the current reference sequence, so the protein change of this frameshift is denoted p.Ser319ArgfsX?, with a question mark to show that the location of transcription termination is not known. This change is expected to alter the normal structure and function of the resultant protein. The c.955_956dupAG variant was not observed in approximately 6,500 individuals of European and African American ancestry in the NHLBI Exome Sequencing Project, indicating it is not a common benign variant in these populations. We interpret c.955_956dupAG as a likely pathogenic variant.

NM_001312673.2(PCYT1A):c.955_956dup (p.Ser319fs)

Gene: PCYT1A (phosphate cytidylyltransferase 1A, choline; minus strand). Cytogenetic location: 3q29.
Variant type: Microsatellite.
Coding change: c.955_956dup on transcript NM_001312673.2 (MANE Select); coding-DNA positions 955 to 956, 2 bases duplicated (AG; older notation c.955_956dupAG).
Protein change: p.Ser319fs; shifts the reading frame from serine 319.
Molecular consequence: frameshift variant.
Genome position (GRCh38, 1-based): chr3:196,238,836-196,238,837, CT duplicated on the plus strand (AG on the coding strand, the reverse complement: PCYT1A is on the minus strand); duplicating any 2 consecutive bases within chr3:196,238,836-196,238,839 gives the same sequence; the c. name uses the placement nearest the transcript's 3' end. VCF-style (leftmost placement, unchanged base first): chr3-196238835-G-GCT. GRCh37 (hg19) VCF-style: chr3-195965706-G-GCT.
Other names: c.955_956dup, p.Ser319fs (NM_005017.4); short protein forms S319fs.
Identifiers: ClinVar variation 373771 (VCV000373771.1), dbSNP rs1057518600, ClinGen allele CA16042493.